The following is an entry in ClinVar:

NM_001142800.2(EYS):c.478C>G (p.Pro160Ala)

Gene: EYS (EGF-like photoreceptor maintenance factor; minus strand). Cytogenetic location: 6q12.
Variant type: single nucleotide variant.
Coding change: c.478C>G on transcript NM_001142800.2 (MANE Select); coding-DNA position 478, C replaced by G.
Protein change: p.Pro160Ala; replaces proline 160 with alanine.
Molecular consequence: missense variant.
Genome position (GRCh38, 1-based): chr6:65,494,933, G>C on the plus strand (C>G on the coding strand, the complement: EYS is on the minus strand). VCF-style: chr6-65494933-G-C. GRCh37 (hg19) VCF-style: chr6-66204826-G-C.
Other names: c.478C>G, p.Pro160Ala (NM_001142801.2, NM_001292009.2, NM_198283.2); short protein forms P160A.
Identifiers: ClinVar variation 2006725 (VCV002006725.4), dbSNP rs1361351132, ClinGen allele CA364789823.
Genomic context (GRCh38, chr6:65,494,933, plus strand): 5'-AACTCAGAGATTCCTGGCAGAACTGCTGTTTCACTGTCACATTTAGTCGAAGTCCCAGTG[G>C]ACAAGGTGATGGACCACTTGCCATAACTGTGATAAAATAATGTGTCCCAACACTCAGCCA-3'
Protein context (NP_001136272.1, residues 150-170): TVMASGPSPC[Pro160Ala]LGLRLNVTVK

ClinVar aggregate classification (germline): Uncertain significance (1 of 4 stars; one submission).

gnomAD v4.1: 12 of 1,614,010 alleles (0.00074%); highest among the groups gnomAD compares: Non-Finnish European, 0.001%; no homozygotes.

Submission:

Labcorp Genetics (formerly Invitae), Labcorp
Classification: Uncertain significance. Last evaluated: 2022-08-07. Review status: criteria provided, single submitter. Criteria: Invitae Variant Classification Sherloc (09022015). Collection method: clinical testing. Allele origin: germline.
Comment: In summary, the available evidence is currently insufficient to determine the role of this variant in disease. Therefore, it has been classified as a Variant of Uncertain Significance. Algorithms developed to predict the effect of missense changes on protein structure and function (SIFT, PolyPhen-2, Align-GVGD) all suggest that this variant is likely to be tolerated. This variant has not been reported in the literature in individuals affected with EYS-related conditions. This variant is not present in population databases (gnomAD no frequency). This sequence change replaces proline, which is neutral and non-polar, with alanine, which is neutral and non-polar, at codon 160 of the EYS protein (p.Pro160Ala).